The following is an entry in ClinVar:

NM_001394062.1(MACF1):c.12619A>G (p.Lys4207Glu)

Gene: MACF1 (microtubule actin crosslinking factor 1; plus strand). Cytogenetic location: 1p34.3.
Variant type: single nucleotide variant.
Coding change: c.12619A>G on transcript NM_001394062.1 (MANE Select); coding-DNA position 12619, A replaced by G.
Protein change: p.Lys4207Glu; replaces lysine 4207 with glutamic acid.
Molecular consequence: missense variant.
Genome position (GRCh38, 1-based): chr1:39,361,525, A>G. VCF-style: chr1-39361525-A-G. GRCh37 (hg19) VCF-style: chr1-39827197-A-G.
Other names: c.6433A>G, p.Lys2145Glu (NM_012090.5); short protein forms K2145E, K4207E.
Identifiers: ClinVar variation 3572830 (VCV003572830.1).

ClinVar aggregate classification (germline): Uncertain significance (1 of 4 stars; one submission).

Submission:

GeneDx
Classification: Uncertain significance. Last evaluated: 2024-07-10. Review status: criteria provided, single submitter. Criteria: GeneDx Variant Classification Process June 2021. Collection method: clinical testing. Allele origin: germline. Affected: yes.
Comment: Not observed at significant frequency in large population cohorts (gnomAD); In silico analysis supports that this missense variant has a deleterious effect on protein structure/function; Has not been previously published as pathogenic or benign to our knowledge